The following is an entry in ClinVar:

ClinVar aggregate classification (germline): Uncertain significance (0 of 4 stars; one submission).

Conditions:
CACNA1I-related disorder. Also called: CACNA1I-related condition.

gnomAD v4.1: 1 of 1,612,922 alleles (0.000062%); highest among the groups gnomAD compares: Admixed American, 0.0017%; no homozygotes.

Submission:

PreventionGenetics, part of Exact Sciences
Classification: Uncertain significance for CACNA1I-related condition. Last evaluated: 2023-11-09. Review status: no assertion criteria provided. Collection method: clinical testing. Allele origin: germline.
Comment: The CACNA1I c.3557C>A variant is predicted to result in the amino acid substitution p.Thr1186Asn. To our knowledge, this variant has not been reported in the literature or in a large population database, indicating this variant is rare. At this time, the clinical significance of this variant is uncertain due to the absence of conclusive functional and genetic evidence.

NM_021096.4(CACNA1I):c.3557C>A (p.Thr1186Asn)

Gene: CACNA1I (calcium voltage-gated channel subunit alpha1 I; plus strand). Cytogenetic location: 22q13.1.
Variant type: single nucleotide variant.
Coding change: c.3557C>A on transcript NM_021096.4 (MANE Select); coding-DNA position 3557, C replaced by A.
Protein change: p.Thr1186Asn; replaces threonine 1186 with asparagine.
Molecular consequence: missense variant.
Genome position (GRCh38, 1-based): chr22:39,663,801, C>A. VCF-style: chr22-39663801-C-A. GRCh37 (hg19) VCF-style: chr22-40059806-C-A.
Other names: c.3452C>A, p.Thr1151Asn (NM_001003406.2); short protein forms T1151N, T1186N.
Identifiers: ClinVar variation 3033273 (VCV003033273.2), dbSNP rs2518168853, ClinGen allele CA411659109.
Genomic context (GRCh38, chr22:39,663,801, plus strand): 5'-TTATTGCCCACAAACTCTTCGACTACGTCGTCCTGGCCTTCATCTTTCTCAACTGCATCA[C>A]CATCGCCCTGGAGCGGCCTCAGATCGAGGCCGGCAGCACCGTGAGTGGCTGTAGCCTTTG-3'
Protein context (NP_066919.2, residues 1176-1196): VLAFIFLNCI[Thr1186Asn]IALERPQIEA